The following is an entry in ClinVar:

ClinVar aggregate classification (germline): Likely pathogenic (1 of 4 stars; one submission).

Conditions:
Junctional epidermolysis bullosa. Identifiers: Orphanet 305, MedGen C0079301, MONDO:0017612.

Submission:

Myriad Genetics, Inc.
Classification: Likely pathogenic for Junctional epidermolysis bullosa. Last evaluated: 2022-01-27. Review status: criteria provided, single submitter. Criteria: Myriad Autosomal Dominant, Autosomal Recessive and X-Linked Classification Criteria (2023). Collection method: clinical testing. Allele origin: unknown.
Comment: NM_000228.2(LAMB3):c.2421_2422delCC(Q808Rfs*29) is expected to be pathogenic in the context of junctional epidermolysis bullosa, LAMB3-related. This variant is predicted to lead to an abnormal or absent protein product due to the creation of a premature termination codon in LAMB3, a gene where loss-of-function variants are known to be pathogenic. Please note: this variant was assessed in the context of healthy population screening.

NM_000228.3(LAMB3):c.2421_2422del (p.Gln808fs)

Gene: LAMB3 (laminin subunit beta 3; minus strand). Cytogenetic location: 1q32.2.
Variant type: Deletion.
Coding change: c.2421_2422del on transcript NM_000228.3 (MANE Select); coding-DNA positions 2421 to 2422, 2 bases deleted (CC; older notation c.2421_2422delCC).
Protein change: p.Gln808fs; shifts the reading frame from glutamine 808.
Molecular consequence: frameshift variant.
Genome position (GRCh38, 1-based): chr1:209,623,116-209,623,117, GG deleted on the plus strand (CC on the coding strand, the reverse complement: LAMB3 is on the minus strand); deleting any 2 consecutive bases within chr1:209,623,116-209,623,119 gives the same sequence; the c. name uses the placement nearest the transcript's 3' end. VCF-style (leftmost placement, unchanged base first): chr1-209623115-TGG-T. GRCh37 (hg19) VCF-style: chr1-209796460-TGG-T.
Other names: c.2421_2422del, p.Gln808fs (NM_001017402.2, NM_001127641.1); short protein forms Q808fs.
Identifiers: ClinVar variation 1724154 (VCV001724154.3), dbSNP rs2464791514, ClinGen allele CA2580061967.